The following is an entry in ClinVar:

NM_025074.7(FRAS1):c.1682G>A (p.Cys561Tyr)

Gene: FRAS1 (Fraser extracellular matrix complex subunit 1; plus strand). Cytogenetic location: 4q21.21.
Variant type: single nucleotide variant.
Coding change: c.1682G>A on transcript NM_025074.7 (MANE Select); coding-DNA position 1682, G replaced by A.
Protein change: p.Cys561Tyr; replaces cysteine 561 with tyrosine.
Molecular consequence: missense variant.
Genome position (GRCh38, 1-based): chr4:78,315,597, G>A. VCF-style: chr4-78315597-G-A. GRCh37 (hg19) VCF-style: chr4-79236751-G-A.
Other names: c.1682G>A, p.Cys561Tyr (NM_001166133.2); short protein forms C561Y.
Identifiers: ClinVar variation 1710019 (VCV001710019.2), dbSNP rs2476761923, ClinGen allele CA357367790.

ClinVar aggregate classification (germline): Uncertain significance (1 of 4 stars; one submission).

Conditions:
Fraser syndrome 1 (FRASRS1). Also called: CRYPTOPHTHALMOS WITH OTHER MALFORMATIONS. Identifiers: Orphanet 2052, MedGen C4551480, MONDO:0054737, OMIM 219000.

Submission:

MGZ Medical Genetics Center
Classification: Uncertain significance for Fraser syndrome 1. Last evaluated: 2021-10-13. Review status: criteria provided, single submitter. Criteria: ACMG Guidelines, 2015. Collection method: clinical testing. Allele origin: germline. Affected: yes. Observed: 1 variant allele.
Comment: ACMG criteria applied: PM2_SUP, PM3_SUP, PP3